The following is an entry in ClinVar:

NM_021098.3(CACNA1H):c.4778-5C>T

Gene: CACNA1H (calcium voltage-gated channel subunit alpha1 H; plus strand). Cytogenetic location: 16p13.3.
Variant type: single nucleotide variant.
Coding change: c.4778-5C>T on transcript NM_021098.3 (MANE Select); 5 bases into the intron before coding-DNA position 4778, C replaced by T.
Molecular consequence: intron variant.
Genome position (GRCh38, 1-based): chr16:1,213,775, C>T. VCF-style: chr16-1213775-C-T. GRCh37 (hg19) VCF-style: chr16-1263775-C-T.
Other names: c.4760-5C>T (NM_001005407.2).
Identifiers: ClinVar variation 460125 (VCV000460125.41), dbSNP rs72552061, ClinGen allele CA7801616.

ClinVar aggregate classification (germline): Benign/Likely benign. Review status: criteria provided, multiple submitters, no conflicts (2 of 4 stars). 7 submissions from 7 submitters: Benign (3); Likely benign (3). 1 of the submissions does not count toward it. Last evaluated 2026-06-01.

Conditions:
Hyperaldosteronism, familial, type IV (HALD4). Also called: FH IV; ALDOSTERONISM, PRIMARY, AND HYPERTENSION. Identifiers: Orphanet 642671, MedGen C4310756, MONDO:0014875, OMIM 617027.
Idiopathic generalized epilepsy. Also called: Generalised epilepsy; EIG. Identifiers: MedGen C0270850, MONDO:0005579, OMIM 600669.
CACNA1H-related disorder.

Allele frequency attached by ClinVar (database versions not stated): ESP Exome Variant Server 0.00085; 1000 Genomes Project 0.00100; 1000 Genomes Project 30x 0.00109; gnomAD 0.00123 and 0.00130; TOPMed 0.00156; ExAC 0.00205.
gnomAD v4.1: 2,042 of 1,547,640 alleles (0.13%); highest among the groups gnomAD compares: Admixed American, 0.23%; 2 homozygotes.

Submissions (7):

CeGaT Center for Human Genetics Tuebingen
Classification: Benign. Last evaluated: 2026-06-01. Review status: criteria provided, single submitter. Criteria: CeGaT Center For Human Genetics Tuebingen Variant Classification Criteria Version 2. Collection method: clinical testing. Allele origin: germline. Affected: yes. Observed: 3 variant alleles.
Comment: CACNA1H: BP4, BS1, BS2

Labcorp Genetics (formerly Invitae), Labcorp
Classification: Benign for Idiopathic generalized epilepsy; Hyperaldosteronism, familial, type IV. Last evaluated: 2026-02-02. Review status: criteria provided, single submitter. Criteria: Invitae Variant Classification Sherloc (09022015). Collection method: clinical testing. Allele origin: germline.

Blueprint Genetics
Classification: Likely benign. Last evaluated: 2024-10-31. Review status: criteria provided, single submitter. Criteria: ACMG Guidelines, 2015. Collection method: clinical testing. Allele origin: germline.

GeneDx
Classification: Likely benign. Last evaluated: 2021-06-17. Review status: criteria provided, single submitter. Criteria: GeneDx Variant Classification Process June 2021. Collection method: clinical testing. Allele origin: germline. Affected: yes.

Athena Diagnostics
Classification: Benign. Last evaluated: 2018-04-11. Review status: criteria provided, single submitter. Criteria: Athena Diagnostics Criteria. Collection method: clinical testing. Allele origin: germline.

Breakthrough Genomics
Classification: Likely benign. Review status: criteria provided, single submitter. Criteria: ACMG Guidelines, 2015. Collection method: not provided. Allele origin: germline. Inheritance: Autosomal dominant inheritance. Affected: yes.

PreventionGenetics, part of Exact Sciences
Classification: Likely benign for CACNA1H-related condition. Last evaluated: 2021-03-30. Review status: no assertion criteria provided. Collection method: clinical testing. Allele origin: germline. Not counted in ClinVar's aggregate classification.
Comment: This variant is classified as likely benign based on ACMG/AMP sequence variant interpretation guidelines (Richards et al. 2015 PMID: 25741868, with internal and published modifications).